The following is an entry in ClinVar:

NM_144573.4(NEXN):c.1471G>C (p.Glu491Gln)

Gene: NEXN (nexilin F-actin binding protein; plus strand). Cytogenetic location: 1p31.1.
Variant type: single nucleotide variant.
Coding change: c.1471G>C on transcript NM_144573.4 (MANE Select); coding-DNA position 1471, G replaced by C.
Protein change: p.Glu491Gln; replaces glutamic acid 491 with glutamine.
Molecular consequence: missense variant.
Genome position (GRCh38, 1-based): chr1:77,936,042, G>C. VCF-style: chr1-77936042-G-C. GRCh37 (hg19) VCF-style: chr1-78401727-G-C.
Other names: p.E491Q:GAG>CAG; c.1279G>C, p.Glu427Gln (NM_001172309.2); short protein forms E491Q, E427Q.
Identifiers: ClinVar variation 201926 (VCV000201926.19), dbSNP rs373057251, ClinGen allele CA335418.
Genomic context (GRCh38, chr1:77,936,042, plus strand): 5'-CGAGCAAGAAGGAGAGCAATTGACCTTGAAATTAAAGAGCGAGAAGCTGAAAATTTTCAT[G>C]AGGTATATTACCTTTATATTTAACATAGTTATGGTACAGTAATGATAATAAATTTAACAG-3'
Protein context (NP_653174.3, residues 481-501): IKEREAENFH[Glu491Gln]EDDVDVRPAR

ClinVar aggregate classification (germline): Conflicting classifications of pathogenicity. Review status: criteria provided, conflicting classifications (1 of 4 stars). 7 submissions from 7 submitters: Uncertain significance (4); Likely benign (1). 2 of the submissions do not count toward it. Last evaluated 2026-04-01.

Conditions:
Cardiovascular phenotype. Identifiers: MedGen CN230736.
Dilated cardiomyopathy 1CC (CMD1CC). Identifiers: Orphanet 154, MedGen C2751084, MONDO:0013147, OMIM 613122.
Hypertrophic cardiomyopathy 20. Identifiers: MedGen C3151267, MONDO:0013477, OMIM 613876.

Allele frequency attached by ClinVar (database versions not stated): ExAC 0.00003; gnomAD 0.00004; gnomAD exomes 0.00004; TOPMed 0.00005; ESP Exome Variant Server 0.00009.

Submissions (7):

CeGaT Center for Human Genetics Tuebingen
Classification: Likely benign. Last evaluated: 2026-04-01. Review status: criteria provided, single submitter. Criteria: CeGaT Center For Human Genetics Tuebingen Variant Classification Criteria Version 2. Collection method: clinical testing. Allele origin: germline. Affected: yes. Observed: 1 variant allele.
Comment: NEXN: BP4

Ambry Genetics
Classification: Uncertain significance for Cardiovascular phenotype. Last evaluated: 2024-07-01. Review status: criteria provided, single submitter. Criteria: Ambry Variant Classification Scheme 2023. Collection method: clinical testing. Allele origin: germline.
Comment: The p.E491Q variant (also known as c.1471G>C), located in coding exon 10 of the NEXN gene, results from a G to C substitution at nucleotide position 1471. The glutamic acid at codon 491 is replaced by glutamine, an amino acid with highly similar properties. This amino acid position is highly conserved in available vertebrate species. In addition, the in silico prediction for this alteration is inconclusive. Based on the available evidence, the clinical significance of this variant remains unclear.

Fulgent Genetics
Classification: Uncertain significance for Dilated cardiomyopathy 1CC; Hypertrophic cardiomyopathy 20. Last evaluated: 2024-04-30. Review status: criteria provided, single submitter. Criteria: ACMG Guidelines, 2015. Collection method: clinical testing. Allele origin: germline.

Labcorp Genetics (formerly Invitae), Labcorp
Classification: Uncertain significance for Dilated cardiomyopathy 1CC; Hypertrophic cardiomyopathy 20. Last evaluated: 2022-09-13. Review status: criteria provided, single submitter. Criteria: Invitae Variant Classification Sherloc (09022015). Collection method: clinical testing. Allele origin: germline.
Comment: In summary, the available evidence is currently insufficient to determine the role of this variant in disease. Therefore, it has been classified as a Variant of Uncertain Significance. Algorithms developed to predict the effect of missense changes on protein structure and function are either unavailable or do not agree on the potential impact of this missense change (SIFT: "Deleterious"; PolyPhen-2: "Probably Damaging"; Align-GVGD: "Class C0"). ClinVar contains an entry for this variant (Variation ID: 201926). This variant has not been reported in the literature in individuals affected with NEXN-related conditions. This variant is present in population databases (rs373057251, gnomAD 0.01%). This sequence change replaces glutamic acid, which is acidic and polar, with glutamine, which is neutral and polar, at codon 491 of the NEXN protein (p.Glu491Gln).

GeneDx
Classification: Uncertain significance. Last evaluated: 2013-11-11. Review status: criteria provided, single submitter. Criteria: GeneDx Variant Classification (06012015). Collection method: clinical testing. Allele origin: germline. Affected: yes.
Comment: p.Glu491Gln (GAG>CAG): c.1471 G>C in exon 11 of the NEXN gene (NM_144573.3). The Glu491Gln variant in the NEXN gene has not been reported as a disease-causing mutation or as a benign polymorphism to our knowledge. Glu491Gln results in a semi-conservative amino acid substitution of a negatively charged Glutamic acid residue with a neutral, polar Glutamine residue at a position that is conserved across species. In silico analysis predicts Glu491Gln is probably damaging to the protein structure/function. The Glu491Gln variant was not observed with any significant frequency in approximately 5,800 individuals of European and African American ancestry in the NHLBI Exome Sequencing Project. Nevertheless, no mutations affecting nearby residues have been reported in association with cardiomyopathy, indicating this region of the protein may be tolerant of change. With the clinical and molecular information available at this time, we cannot definitively determine if Glu491Gln is a disease-causing mutation or a rare benign variant. The variant is found in DCM,DCM-CRDM panel(s).

Clinical Genetics DNA and cytogenetics Diagnostics Lab, Erasmus MC, Erasmus Medical Center
Classification: Uncertain significance. Review status: no assertion criteria provided. Collection method: clinical testing. Allele origin: germline. Affected: yes. Study: VKGL Data-share Consensus. Not counted in ClinVar's aggregate classification.

Genome Diagnostics Laboratory, University Medical Center Utrecht
Classification: Uncertain significance. Review status: no assertion criteria provided. Collection method: clinical testing. Allele origin: germline. Affected: yes. Study: VKGL Data-share Consensus. Not counted in ClinVar's aggregate classification.